The following is an entry in ClinVar:

NM_004360.5(CDH1):c.1916C>T (p.Thr639Ile)

Gene: CDH1 (cadherin 1; plus strand). Cytogenetic location: 16q22.1.
Variant type: single nucleotide variant.
Coding change: c.1916C>T on transcript NM_004360.5 (MANE Select); coding-DNA position 1916, C replaced by T.
Protein change: p.Thr639Ile; replaces threonine 639 with isoleucine.
Molecular consequence: missense variant. On other transcripts: 5 prime UTR variant (1).
Genome position (GRCh38, 1-based): chr16:68,822,205, C>T. VCF-style: chr16-68822205-C-T. GRCh37 (hg19) VCF-style: chr16-68856108-C-T.
Other names: c.1733C>T, p.Thr578Ile (NM_001317184.2); c.368C>T, p.Thr123Ile (NM_001317185.2); c.-50C>T (NM_001317186.2); c.1916C>T (NM_004360.3); short protein forms T123I, T578I, T639I.
Identifiers: ClinVar variation 1008252 (VCV001008252.15), dbSNP rs1961171304, ClinGen allele CA396467247.
Genomic context (GRCh38, chr16:68,822,205, plus strand): 5'-TTCCTCCCAATACATCTCCCTTCACAGCAGAACTAACACACGGGGCGAGTGCCAACTGGA[C>T]CATTCAGTACAACGACCCAAGTGGGTACCTGAGTTTTATTTTGGCAACTTTGCTCCAACT-3'
Protein context (NP_004351.1, residues 629-649): ELTHGASANW[Thr639Ile]IQYNDPTQES

ClinVar aggregate classification (germline): Uncertain significance. Review status: criteria provided, multiple submitters, no conflicts (2 of 4 stars). 2 submissions from 2 submitters: Uncertain significance (2). Last evaluated 2025-01-14.

Conditions:
Hereditary cancer-predisposing syndrome. Also called: Hereditary neoplastic syndrome; Neoplastic Syndromes, Hereditary; Tumor predisposition; Hereditary Cancer Syndrome. Identifiers: Orphanet 140162, MedGen C0027672, MeSH D009386, MONDO:0015356.
Hereditary diffuse gastric adenocarcinoma (HDGC). Also called: DIFFUSE GASTRIC AND LOBULAR BREAST CANCER SYNDROME. Identifiers: Orphanet 26106, MedGen C1708349, MONDO:0007648, OMIM 137215.

Submissions (2):

Ambry Genetics
Classification: Uncertain significance for Hereditary cancer-predisposing syndrome. Last evaluated: 2025-01-14. Review status: criteria provided, single submitter. Criteria: Ambry Variant Classification Scheme 2023. Collection method: clinical testing. Allele origin: germline.
Comment: The p.T639I variant (also known as c.1916C>T), located in coding exon 12 of the CDH1 gene, results from a C to T substitution at nucleotide position 1916. The threonine at codon 639 is replaced by isoleucine, an amino acid with similar properties. This amino acid position is conserved. In addition, the in silico prediction for this alteration is inconclusive. Since supporting evidence is limited at this time, the clinical significance of this alteration remains unclear.

Labcorp Genetics (formerly Invitae), Labcorp
Classification: Uncertain significance for Hereditary diffuse gastric adenocarcinoma. Last evaluated: 2022-03-25. Review status: criteria provided, single submitter. Criteria: Invitae Variant Classification Sherloc (09022015). Collection method: clinical testing. Allele origin: germline.
Comment: In summary, the available evidence is currently insufficient to determine the role of this variant in disease. Therefore, it has been classified as a Variant of Uncertain Significance. Algorithms developed to predict the effect of missense changes on protein structure and function are either unavailable or do not agree on the potential impact of this missense change (SIFT: "Deleterious"; PolyPhen-2: "Possibly Damaging"; Align-GVGD: "Class C15"). ClinVar contains an entry for this variant (Variation ID: 1008252). This variant has not been reported in the literature in individuals affected with CDH1-related conditions. This variant is not present in population databases (gnomAD no frequency). This sequence change replaces threonine, which is neutral and polar, with isoleucine, which is neutral and non-polar, at codon 639 of the CDH1 protein (p.Thr639Ile).